The following is an entry in ClinVar:

NM_182961.4(SYNE1):c.554T>C (p.Leu185Ser)

Gene: SYNE1 (spectrin repeat containing nuclear envelope protein 1; minus strand). Cytogenetic location: 6q25.2.
Variant type: single nucleotide variant.
Coding change: c.554T>C on transcript NM_182961.4 (MANE Select); coding-DNA position 554, T replaced by C.
Protein change: p.Leu185Ser; replaces leucine 185 with serine.
Molecular consequence: missense variant.
Genome position (GRCh38, 1-based): chr6:152,510,220, A>G on the plus strand (T>C on the coding strand, the complement: SYNE1 is on the minus strand). VCF-style: chr6-152510220-A-G. GRCh37 (hg19) VCF-style: chr6-152831355-A-G.
Other names: c.575T>C, p.Leu192Ser (NM_033071.5); short protein forms L185S, L192S.
Identifiers: ClinVar variation 2079457 (VCV002079457.4), dbSNP rs751619622, ClinGen allele CA366150431.
Genomic context (GRCh38, chr6:152,510,220, plus strand): 5'-GGTTTCAAATTTAGACAAACTCTTGATACTTACTTGCCAGCTGTGTACTGAACCCACTTT[A>G]ATAAAGCCTTCTTAGCATTTCCTTGGATCTTGGTGGTCACCTTCCGTTTACTTGGTGGGC-3'
Protein context (NP_892006.3, residues 175-195): KIQGNAKKAL[Leu185Ser]KWVQYTAGKQ

ClinVar aggregate classification (germline): Uncertain significance (1 of 4 stars; one submission).

Conditions:
Emery-Dreifuss muscular dystrophy 4, autosomal dominant (EDMD4). Also called: EMERY-DREIFUSS MUSCULAR DYSTROPHY 4 WITH VARIABLE FEATURES. Identifiers: Orphanet 261, MedGen C2751807, MONDO:0013071, OMIM 612998.
Autosomal recessive ataxia, Beauce type. Also called: SYNE1 Deficiency; Spinocerebellar ataxia, autosomal recessive 8; ATAXIA, RECESSIVE, OF BEAUCE; SYNE1-Related Autosomal Recessive Cerebellar Ataxia. Identifiers: Orphanet 88644, MedGen C1853116, MONDO:0012549, OMIM 610743.

Submission:

Labcorp Genetics (formerly Invitae), Labcorp
Classification: Uncertain significance for Emery-Dreifuss muscular dystrophy 4, autosomal dominant; Autosomal recessive ataxia, Beauce type. Last evaluated: 2022-07-18. Review status: criteria provided, single submitter. Criteria: Invitae Variant Classification Sherloc (09022015). Collection method: clinical testing. Allele origin: germline.
Comment: In summary, the available evidence is currently insufficient to determine the role of this variant in disease. Therefore, it has been classified as a Variant of Uncertain Significance. Algorithms developed to predict the effect of missense changes on protein structure and function are either unavailable or do not agree on the potential impact of this missense change (SIFT: "Deleterious"; PolyPhen-2: "Probably Damaging"; Align-GVGD: "Class C0"). This variant has not been reported in the literature in individuals affected with SYNE1-related conditions. This variant is not present in population databases (gnomAD no frequency). This sequence change replaces leucine, which is neutral and non-polar, with serine, which is neutral and polar, at codon 192 of the SYNE1 protein (p.Leu192Ser).